The following is an entry in ClinVar:

NM_004006.3(DMD):c.696C>G (p.Ile232Met)

Gene: DMD (dystrophin; minus strand). Cytogenetic location: Xp21.1.
Variant type: single nucleotide variant.
Coding change: c.696C>G on transcript NM_004006.3 (MANE Select); coding-DNA position 696, C replaced by G.
Protein change: p.Ile232Met; replaces isoleucine 232 with methionine.
Molecular consequence: missense variant.
Genome position (GRCh38, 1-based): chrX:32,699,247, G>C on the plus strand (C>G on the coding strand, the complement: DMD is on the minus strand). VCF-style: chrX-32699247-G-C. GRCh37 (hg19) VCF-style: chrX-32717364-G-C.
Other names: c.672C>G, p.Ile224Met (NM_000109.4); c.684C>G, p.Ile228Met (NM_004009.3); c.327C>G, p.Ile109Met (NM_004010.3); short protein forms I232M, I109M, I228M, I224M.
Identifiers: ClinVar variation 284717 (VCV000284717.27), dbSNP rs145668843, ClinGen allele CA10380084.
Genomic context (GRCh38, chrX:32,699,247, plus strand): 5'-TTCCACTTCCTGGATGGCTTCAATGCTCACTTGTTGAGGCAAAACTTGGAAGAGTGATGT[G>C]ATGTACATTAAGATGGACTTCTTATCTGGATAGGTGGTATCAACATCTGTAAGCACATTA-3'
Protein context (NP_003997.2, residues 222-242): YPDKKSILMY[Ile232Met]TSLFQVLPQQ

ClinVar aggregate classification (germline): Benign/Likely benign. Review status: criteria provided, multiple submitters, no conflicts (2 of 4 stars). 8 submissions from 8 submitters: Benign (3); Likely benign (4). 1 of the submissions does not count toward it. Last evaluated 2026-01-27.

Conditions:
Cardiomyopathy (CMYO). Also called: Cardiomyopathies. Identifiers: Orphanet 167848, MedGen C0878544, MONDO:0004994, HP:0001638. Inheritance: Various modes of inheritance.
Dystrophin deficiency.
Duchenne muscular dystrophy (DMD). Also called: MUSCULAR DYSTROPHY, PSEUDOHYPERTROPHIC PROGRESSIVE, DUCHENNE TYPE; Duchenne Muscular Dystrophy (DMD). Identifiers: Orphanet 98896, MedGen C0013264, MONDO:0010679, OMIM 310200.
Becker muscular dystrophy (BMD). Also called: Becker Muscular Dystrophy (BMD); MUSCULAR DYSTROPHY, PSEUDOHYPERTROPHIC PROGRESSIVE, BECKER TYPE. Identifiers: Orphanet 98895, MedGen C0917713, MONDO:0010311, OMIM 300376.
Cardiovascular phenotype. Identifiers: MedGen CN230736.

Allele frequency attached by ClinVar (database versions not stated): gnomAD exomes 0.00037 and 0.00022; ESP Exome Variant Server 0.00047; ExAC 0.00021; gnomAD 0.00021 and 0.00023; TOPMed 0.00026.
gnomAD v4.1: 434 of 1,207,499 alleles (0.036%); highest among the groups gnomAD compares: Non-Finnish European, 0.042%; no homozygotes.

Submissions (8):

Labcorp Genetics (formerly Invitae), Labcorp
Classification: Benign for Duchenne muscular dystrophy. Last evaluated: 2026-01-27. Review status: criteria provided, single submitter. Criteria: Invitae Variant Classification Sherloc (09022015). Collection method: clinical testing. Allele origin: germline.

Mayo Clinic Laboratories, Mayo Clinic
Classification: Benign. Last evaluated: 2025-03-24. Review status: criteria provided, single submitter. Criteria: ACMG Guidelines, 2015. Collection method: clinical testing. Allele origin: germline. Observed: 1 variant allele.
Comment: BS1, BS2

Blueprint Genetics
Classification: Likely benign. Last evaluated: 2024-06-27. Review status: criteria provided, single submitter. Criteria: ACMG Guidelines, 2015. Collection method: clinical testing. Allele origin: germline.

Ambry Genetics
Classification: Likely benign for Cardiovascular phenotype. Last evaluated: 2019-11-14. Review status: criteria provided, single submitter. Criteria: Ambry Variant Classification Scheme 2023. Collection method: clinical testing. Allele origin: germline.

GeneDx
Classification: Benign. Last evaluated: 2019-06-24. Review status: criteria provided, single submitter. Criteria: GeneDx Variant Classification Process June 2021. Collection method: clinical testing. Allele origin: germline. Affected: yes.
Comment: This variant is associated with the following publications: (PMID: 26392559)

ARUP Laboratories, Molecular Genetics and Genomics, ARUP Laboratories
Classification: Likely benign. Last evaluated: 2017-11-09. Review status: criteria provided, single submitter. Criteria: ARUP Molecular Germline Variant Investigation Process. Collection method: clinical testing. Allele origin: germline.
Comment: The p.Ile232Met variant (rs145668843) has not been reported in the medical literature, gene specific variation databases, nor has it been previously identified by our laboratory. This variant is listed in the Genome Aggregation Database (gnomAD) with an overall population frequency of 0.02 percent (identified on 40 out of 199,721 chromosomes, including 17 hemizygotes), and has been reported to the ClinVar database as a likely benign variant (Variation ID: 284717). The isoleucine at position 232 is moderately conserved considering 7 species (Alamut v2.10) and computational analyses of the p.Ile232Met variant on protein structure and function indicate a neutral effect (GVGD: class C0, MutationTaster: polymorphism, PolyPhen-2: benign). Overall this variant is considered to be likely benign.

Eurofins Ntd Llc (ga)
Classification: Likely benign. Last evaluated: 2016-08-03. Review status: criteria provided, single submitter. Criteria: EGL Classification Definitions 2015. Collection method: clinical testing. Allele origin: germline. Observed: 3 variant alleles, 2 heterozygotes, 1 hemizygote.

Natera, Inc.
Classification: Likely benign for Becker muscular dystrophy; Cardiomyopathy; Duchenne muscular dystrophy; Dystrophin deficiency. Last evaluated: 2017-11-21. Review status: no assertion criteria provided. Collection method: clinical testing. Allele origin: germline. Not counted in ClinVar's aggregate classification.

Literature cited by the submitters: PubMed 26392559 (cited by Ambry Genetics).